The following is an entry in ClinVar:

NM_015978.3(TNNI3K):c.2255G>T (p.Arg752Leu)

Genes: FPGT-TNNI3K (FPGT-TNNI3K readthrough; plus strand), LRRC53 (leucine rich repeat containing 53; minus strand), TNNI3K (TNNI3 interacting kinase; plus strand). Cytogenetic location: 1p31.1.
Variant type: single nucleotide variant.
Coding change: c.2255G>T on transcript NM_015978.3 (MANE Select); coding-DNA position 2255, G replaced by T.
Protein change: p.Arg752Leu; replaces arginine 752 with leucine.
Molecular consequence: missense variant. On other transcripts: intron variant (2).
Genome position (GRCh38, 1-based): chr1:74,492,170, G>T. VCF-style: chr1-74492170-G-T. GRCh37 (hg19) VCF-style: chr1-74957854-G-T.
Other names: c.2558G>T, p.Arg853Leu (NM_001112808.3); c.-8-11202C>A (NM_001364666.2); c.-26-8795C>A (NM_001382280.1); short protein forms R853L, R752L.
Identifiers: ClinVar variation 2122493 (VCV002122493.4), dbSNP rs375373524, ClinGen allele CA340799371.

ClinVar aggregate classification (germline): Uncertain significance (1 of 4 stars; one submission).

Submission:

Labcorp Genetics (formerly Invitae), Labcorp
Classification: Uncertain significance. Last evaluated: 2023-07-03. Review status: criteria provided, single submitter. Criteria: Invitae Variant Classification Sherloc (09022015). Collection method: clinical testing. Allele origin: germline.
Comment: This variant has not been reported in the literature in individuals affected with TNNI3K-related conditions. In summary, the available evidence is currently insufficient to determine the role of this variant in disease. Therefore, it has been classified as a Variant of Uncertain Significance. An algorithm developed to predict the effect of missense changes on protein structure and function (PolyPhen-2) suggests that this variant is likely to be tolerated. ClinVar contains an entry for this variant (Variation ID: 2122493). This variant is not present in population databases (gnomAD no frequency). This sequence change replaces arginine, which is basic and polar, with leucine, which is neutral and non-polar, at codon 752 of the TNNI3K protein (p.Arg752Leu).